The following is an entry in ClinVar:

NM_001393504.1(MAST3):c.4008C>T (p.Ala1336=)

Gene: MAST3 (microtubule associated serine/threonine kinase 3; plus strand). Cytogenetic location: 19p13.11.
Variant type: single nucleotide variant.
Coding change: c.4008C>T on transcript NM_001393504.1 (MANE Select); coding-DNA position 4008, C replaced by T.
Protein change: p.Ala1336=; no amino-acid change (alanine 1336 retained).
Molecular consequence: synonymous variant.
Genome position (GRCh38, 1-based): chr19:18,149,690, C>T. VCF-style: chr19-18149690-C-T. GRCh37 (hg19) VCF-style: chr19-18260500-C-T.
Other names: c.4032C>T, p.Ala1344= (NM_001393501.1); c.4011C>T, p.Ala1337= (NM_001393502.1); c.4008C>T, p.Ala1336= (NM_001393503.1); c.3978C>T, p.Ala1326= (NM_001393505.1); c.3960C>T, p.Ala1320= (NM_001393506.1, NM_001393507.1); c.3942C>T, p.Ala1314= (NM_001393508.1); c.3939C>T, p.Ala1313= (NM_001393509.1, NM_001393510.1); c.3936C>T, p.Ala1312= (NM_001393511.1, NM_001393512.1); and 9 more.
Identifiers: ClinVar variation 4872416 (VCV004872416.2).
Genomic context (GRCh38, chr19:18,149,690, plus strand): 5'-GGAGGAGGCCACTGGGCTGCCCACCTCAGTGCCACAGATCGCCGTGGAGGGCGAGGAAGC[C>T]GTGCCAGTAGCTCTCGGGCCCACCGGAAGAGACTGATCCCCTGCCAGGTCTCTCCCTGGC-3'
Protein context (NP_001380433.1, residues 1326-1346): VPQIAVEGEE[Ala1336=]VPVALGPTGR

ClinVar aggregate classification (germline): Likely benign (1 of 4 stars; one submission).

gnomAD v4.1: 75 of 1,612,922 alleles (0.0046%); highest among the groups gnomAD compares: African/African-American, 0.056%; no homozygotes.

Submission:

CeGaT Center for Human Genetics Tuebingen
Classification: Likely benign. Last evaluated: 2026-04-01. Review status: criteria provided, single submitter. Criteria: CeGaT Center For Human Genetics Tuebingen Variant Classification Criteria Version 2. Collection method: clinical testing. Allele origin: germline. Affected: yes. Observed: 1 variant allele.
Comment: MAST3: BP4, BP7